The following is an entry in ClinVar:

NM_003730.6(RNASET2):c.567G>A (p.Gln189=)

Gene: RNASET2 (ribonuclease T2; minus strand). Cytogenetic location: 6q27.
Variant type: single nucleotide variant.
Coding change: c.567G>A on transcript NM_003730.6 (MANE Select); coding-DNA position 567, G replaced by A.
Protein change: p.Gln189=; no amino-acid change (glutamine 189 retained).
Molecular consequence: synonymous variant.
Genome position (GRCh38, 1-based): chr6:166,931,044, C>T on the plus strand (G>A on the coding strand, the complement: RNASET2 is on the minus strand). VCF-style: chr6-166931044-C-T. GRCh37 (hg19) VCF-style: chr6-167344532-C-T.
Other names: 567G-A.
Identifiers: ClinVar variation 417 (VCV000000417.6), dbSNP rs1191342507, ClinGen allele CA453074808.

ClinVar aggregate classification (germline): Uncertain significance. Review status: criteria provided, single submitter (1 of 4 stars). 2 submissions from 2 submitters: Uncertain significance (1). 1 of the submissions does not count toward it. Last evaluated 2017-04-27.

Conditions:
Cystic leukoencephalopathy without megalencephaly. Identifiers: Orphanet 85136, MedGen C2751843, MONDO:0013058, OMIM 612951.

Allele frequency attached by ClinVar (database versions not stated): gnomAD exomes below 0.00001 and 0.00001.
gnomAD v4.1: 5 of 1,608,494 alleles (0.00031%); highest among the groups gnomAD compares: Non-Finnish European, 0.00043%; no homozygotes.

Submissions (2):

Illumina Laboratory Services, Illumina
Classification: Uncertain significance for Cystic leukoencephalopathy without megalencephaly. Last evaluated: 2017-04-27. Review status: criteria provided, single submitter. Criteria: ICSL Variant Classification Criteria 13 December 2019. Collection method: clinical testing. Allele origin: germline.
Comment: This variant was observed as part of a predisposition screen in an ostensibly healthy population. A literature search was performed for the gene, cDNA change, and amino acid change (where applicable). Publications were found based on this search. However, the evidence from the literature, in combination with allele frequency data from public databases where available, was not sufficient to rule this variant in or out of causing disease. Therefore, this variant is classified as a variant of unknown significance.

OMIM
Classification: Pathogenic for LEUKOENCEPHALOPATHY, CYSTIC, WITHOUT MEGALENCEPHALY. Last evaluated: 2009-07-01. Review status: no assertion criteria provided. Collection method: literature only. Allele origin: germline. Not counted in ClinVar's aggregate classification.

Literature cited by the submitters: PubMed 19525954 (cited by Illumina Laboratory Services, Illumina); Henneke, M., Diekmann, S., Ohlenbusch, A., Kaiser, J., Engelbrecht, V., Kohlschutter, A., Kratzner, R., Madruga-Garrido, M., Mayer, M., Opitz, L., Rodriguez, D., Ruschendorf, F., Schumacher, J., Thiele, H., Thoms, S., Steinfeld, R., Nurnberg, P., Gartner, J. RNASET2-deficient cystic leukoencephalopathy resembles congenital cytomegalovirus brain infection. Nature Genet. 41: 773-775, 2009. (cited by OMIM).